The following is an entry in ClinVar:

NM_000360.4(TH):c.487+2T>C

Gene: TH (tyrosine hydroxylase; minus strand). Cytogenetic location: 11p15.5.
Variant type: single nucleotide variant.
Coding change: c.487+2T>C on transcript NM_000360.4 (MANE Select); the canonical splice donor site of the intron after coding-DNA position 487, T replaced by C.
Molecular consequence: splice donor variant.
Genome position (GRCh38, 1-based): chr11:2,168,489, A>G on the plus strand (T>C on the coding strand, the complement: TH is on the minus strand). VCF-style: chr11-2168489-A-G. GRCh37 (hg19) VCF-style: chr11-2189719-A-G.
Other names: c.568+2T>C (NM_199293.3); c.580+2T>C (NM_199292.3).
Identifiers: ClinVar variation 371096 (VCV000371096.6), dbSNP rs1057517003, ClinGen allele CA16041466.

ClinVar aggregate classification (germline): Likely pathogenic. Review status: criteria provided, single submitter (1 of 4 stars). 2 submissions from 2 submitters: Likely pathogenic (1). 1 of the submissions does not count toward it. Last evaluated 2023-12-03.

Conditions:
TH-deficient dopa-responsive dystonia. Also called: Segawa syndrome, autosomal recessive; Tyrosine Hydroxylase-Deficient Dopa-Responsive Dystonia; DYT-TH. Identifiers: Orphanet 101150, MedGen C2673535, MONDO:0011551, OMIM 605407.

Submissions (2):

Labcorp Genetics (formerly Invitae), Labcorp
Classification: Likely pathogenic for TH-deficient dopa-responsive dystonia. Last evaluated: 2023-12-03. Review status: criteria provided, single submitter. Criteria: Invitae Variant Classification Sherloc (09022015). Collection method: clinical testing. Allele origin: germline.
Comment: This sequence change affects a donor splice site in intron 4 of the TH gene. It is expected to disrupt RNA splicing. Variants that disrupt the donor or acceptor splice site typically lead to a loss of protein function (PMID: 16199547), and loss-of-function variants in TH are known to be pathogenic (PMID: 22264700, 24753243). This variant is not present in population databases (gnomAD no frequency). Disruption of this splice site has been observed in individual(s) with TH-related conditions (PMID: 32005694). ClinVar contains an entry for this variant (Variation ID: 371096). Algorithms developed to predict the effect of sequence changes on RNA splicing suggest that this variant may disrupt the consensus splice site. In summary, the currently available evidence indicates that the variant is pathogenic, but additional data are needed to prove that conclusively. Therefore, this variant has been classified as Likely Pathogenic.

Counsyl
Classification: Likely pathogenic for TH-deficient dopa-responsive dystonia. Last evaluated: 2016-06-27. Review status: no assertion criteria provided. Collection method: clinical testing. Allele origin: unknown. Not counted in ClinVar's aggregate classification.

Literature cited by the submitters: PubMed 16199547 (cited by Labcorp Genetics (formerly Invitae), Labcorp); PubMed 22264700 (cited by Labcorp Genetics (formerly Invitae), Labcorp); PubMed 24753243 (cited by Labcorp Genetics (formerly Invitae), Labcorp); PubMed 32005694 (cited by Labcorp Genetics (formerly Invitae), Labcorp).